The following is an entry in ClinVar:

NM_000075.4(CDK4):c.790_795del (p.Met264_Glu265del)

Genes: CDK4 (cyclin dependent kinase 4; minus strand), TSPAN31 (tetraspanin 31; plus strand). Cytogenetic location: 12q14.1.
Variant type: Deletion.
Coding change: c.790_795del on transcript NM_000075.4 (MANE Select); coding-DNA positions 790 to 795, 6 bases deleted (ATGGAG; older notation c.790_795delATGGAG).
Protein change: p.Met264_Glu265del.
Molecular consequence: inframe deletion. On other transcripts: 3 prime UTR variant (3).
Genome position (GRCh38, 1-based): chr12:57,749,206-57,749,211, CTCCAT deleted on the plus strand (ATGGAG on the coding strand, the reverse complement: CDK4 is on the minus strand); deleting any 6 consecutive bases within chr12:57,749,206-57,749,214 gives the same sequence; the c. name uses the placement nearest the transcript's 3' end. VCF-style (leftmost placement, unchanged base first): chr12-57749205-CCTCCAT-C. GRCh37 (hg19) VCF-style: chr12-58142988-CCTCCAT-C.
Other names: c.*1919_*1924del (NM_001330168.2, NM_001330169.2, NM_005981.5).
Identifiers: ClinVar variation 648384 (VCV000648384.8), dbSNP rs1595108668, ClinGen allele CA915948423.
Genomic context (GRCh38, chr12:57,749,205, plus strand): 5'-CTATTTCTTTCCCTGTGCCCACAGCCATCTCCAGTACCAGCAGCAGCTGTGCTCCCGACT[CCTCCAT>C]CTCAGGTACCACCGACTGCACTGGGCGGGGCCCTCTGGGGGGAAAGGCTCCACGGGGCAG-3'

ClinVar aggregate classification (germline): Uncertain significance (1 of 4 stars; one submission).

Conditions:
Familial melanoma. Also called: Hereditary melanoma; Hereditary cutaneous melanoma. Identifiers: Orphanet 618, MedGen C1512419, MONDO:0018961.

Submission:

Labcorp Genetics (formerly Invitae), Labcorp
Classification: Uncertain significance for Familial melanoma. Last evaluated: 2018-08-02. Review status: criteria provided, single submitter. Criteria: Invitae Variant Classification Sherloc (09022015). Collection method: clinical testing. Allele origin: germline.
Comment: This variant, c.790_795delATGGAG, results in the deletion of 2 amino acids of the CDK4 protein (p.Met264_Glu265del), but otherwise preserves the integrity of the reading frame. This variant is not present in population databases (ExAC no frequency). This variant has not been reported in the literature in individuals with CDK4-related disease. Experimental studies and prediction algorithms are not available for this variant, and the functional significance of the deleted amino acids is currently unknown. In summary, the available evidence is currently insufficient to determine the role of this variant in disease. Therefore, it has been classified as a Variant of Uncertain Significance.